The following is an entry in ClinVar:

ClinVar aggregate classification (germline): Uncertain significance (1 of 4 stars; one submission).

Conditions:
PGM1-congenital disorder of glycosylation. Also called: PHOSPHOGLUCOMUTASE 1 DEFICIENCY; PGM1 DEFICIENCY; GLYCOGEN STORAGE DISEASE XIV; GSD XIV; Congenital disorder of glycosylation type 1t; CDG It. Identifiers: Orphanet 319646, MedGen C2752015, MONDO:0013968, OMIM 614921.

gnomAD v4.1: 7 of 1,613,496 alleles (0.00043%); highest among the groups gnomAD compares: Non-Finnish European, 0.00059%; no homozygotes.

Submission:

Labcorp Genetics (formerly Invitae), Labcorp
Classification: Uncertain significance for PGM1-congenital disorder of glycosylation. Last evaluated: 2022-06-27. Review status: criteria provided, single submitter. Criteria: Invitae Variant Classification Sherloc (09022015). Collection method: clinical testing. Allele origin: germline.
Comment: This sequence change replaces alanine, which is neutral and non-polar, with valine, which is neutral and non-polar, at codon 36 of the PGM1 protein (p.Ala36Val). In summary, the available evidence is currently insufficient to determine the role of this variant in disease. Therefore, it has been classified as a Variant of Uncertain Significance. Algorithms developed to predict the effect of missense changes on protein structure and function (SIFT, PolyPhen-2, Align-GVGD) all suggest that this variant is likely to be tolerated. This variant has not been reported in the literature in individuals affected with PGM1-related conditions. This variant is present in population databases (no rsID available, gnomAD 0.002%).

NM_002633.3(PGM1):c.107C>T (p.Ala36Val)

Genes: PGM1 (phosphoglucomutase 1; plus strand), LOC129930668 (ATAC-STARR-seq lymphoblastoid active region 1127; plus strand). Cytogenetic location: 1p31.3.
Variant type: single nucleotide variant.
Coding change: c.107C>T on transcript NM_002633.3 (MANE Select); coding-DNA position 107, C replaced by T.
Protein change: p.Ala36Val; replaces alanine 36 with valine.
Molecular consequence: missense variant.
Genome position (GRCh38, 1-based): chr1:63,593,595, C>T. VCF-style: chr1-63593595-C-T. GRCh37 (hg19) VCF-style: chr1-64059266-C-T.
Other names: short protein forms A36V.
Identifiers: ClinVar variation 1948608 (VCV001948608.5), dbSNP rs146477640, ClinGen allele CA340639124.
Genomic context (GRCh38, chr1:63,593,595, plus strand): 5'-AGCCGGGCACGAGCGGGCTGCGGAAGCGGGTGAAGGTGTTCCAGAGCAGCGCCAACTACG[C>T]GGAGAACTTCATCCAGAGTATCATCTCCACCGTGGAGCCGGCGCAGCGGCAGGAGGCCAC-3'
Protein context (NP_002624.2, residues 26-46): VKVFQSSANY[Ala36Val]ENFIQSIIST